The following is an entry in ClinVar:

ClinVar aggregate classification (germline): Uncertain significance (1 of 4 stars; one submission).

Allele frequency attached by ClinVar (database versions not stated): gnomAD 0.00001; gnomAD exomes 0.00001; TOPMed 0.00002.
gnomAD v4.1: 10 of 1,614,036 alleles (0.00062%); highest among the groups gnomAD compares: Non-Finnish European, 0.00068%; no homozygotes.

Submission:

Labcorp Genetics (formerly Invitae), Labcorp
Classification: Uncertain significance. Last evaluated: 2023-08-10. Review status: criteria provided, single submitter. Criteria: Invitae Variant Classification Sherloc (09022015). Collection method: clinical testing. Allele origin: germline.
Comment: In summary, the available evidence is currently insufficient to determine the role of this variant in disease. Therefore, it has been classified as a Variant of Uncertain Significance. Advanced modeling of protein sequence and biophysical properties (such as structural, functional, and spatial information, amino acid conservation, physicochemical variation, residue mobility, and thermodynamic stability) performed at Invitae indicates that this missense variant is not expected to disrupt PDZD7 protein function. ClinVar contains an entry for this variant (Variation ID: 1431781). This variant has not been reported in the literature in individuals affected with PDZD7-related conditions. This variant is present in population databases (no rsID available, gnomAD 0.002%). This sequence change replaces cysteine, which is neutral and slightly polar, with tyrosine, which is neutral and polar, at codon 194 of the PDZD7 protein (p.Cys194Tyr).

NM_001195263.2(PDZD7):c.581G>A (p.Cys194Tyr)

Gene: PDZD7 (PDZ domain containing 7; minus strand). Cytogenetic location: 10q24.31.
Variant type: single nucleotide variant.
Coding change: c.581G>A on transcript NM_001195263.2 (MANE Select); coding-DNA position 581, G replaced by A.
Protein change: p.Cys194Tyr; replaces cysteine 194 with tyrosine.
Molecular consequence: missense variant.
Genome position (GRCh38, 1-based): chr10:101,022,347, C>T on the plus strand (G>A on the coding strand, the complement: PDZD7 is on the minus strand). VCF-style: chr10-101022347-C-T. GRCh37 (hg19) VCF-style: chr10-102782104-C-T.
Other names: c.581G>A, p.Cys194Tyr (NM_001351044.2, NM_024895.5); short protein forms C194Y.
Identifiers: ClinVar variation 1431781 (VCV001431781.8), dbSNP rs1458612807, ClinGen allele CA378230373.